The following is an entry in ClinVar:

ClinVar aggregate classification (germline): Uncertain significance (1 of 4 stars; one submission).

Conditions:
Emery-Dreifuss muscular dystrophy 5, autosomal dominant (EDMD5). Also called: EMERY-DREIFUSS MUSCULAR DYSTROPHY 5. Identifiers: Orphanet 261, MedGen C2751805, MONDO:0013072, OMIM 612999.

Allele frequency attached by ClinVar (database versions not stated): TOPMed 0.00001; ExAC 0.00002; gnomAD 0.00002; gnomAD exomes 0.00003; 1000 Genomes Project 30x 0.00016; 1000 Genomes Project 0.00020.
gnomAD v4.1: 39 of 1,611,250 alleles (0.0024%); highest among the groups gnomAD compares: Admixed American, 0.005%; no homozygotes.

Submission:

Labcorp Genetics (formerly Invitae), Labcorp
Classification: Uncertain significance for Emery-Dreifuss muscular dystrophy 5, autosomal dominant. Last evaluated: 2025-03-26. Review status: criteria provided, single submitter. Criteria: Invitae Variant Classification Sherloc (09022015). Collection method: clinical testing. Allele origin: germline.
Comment: This sequence change falls in intron 19 of the SYNE2 gene. It does not directly change the encoded amino acid sequence of the SYNE2 protein. This variant is present in population databases (rs535399786, gnomAD 0.006%). This variant has not been reported in the literature in individuals affected with SYNE2-related conditions. ClinVar contains an entry for this variant (Variation ID: 2197753). Algorithms developed to predict the effect of sequence changes on RNA splicing suggest that this variant may disrupt the consensus splice site. In summary, the available evidence is currently insufficient to determine the role of this variant in disease. Therefore, it has been classified as a Variant of Uncertain Significance.

NM_182914.3(SYNE2):c.2314-14A>G

Gene: SYNE2 (spectrin repeat containing nuclear envelope protein 2; plus strand). Cytogenetic location: 14q23.2.
Variant type: single nucleotide variant.
Coding change: c.2314-14A>G on transcript NM_182914.3 (MANE Select); 14 bases into the intron before coding-DNA position 2314, A replaced by G.
Molecular consequence: intron variant.
Genome position (GRCh38, 1-based): chr14:63,990,397, A>G. VCF-style: chr14-63990397-A-G. GRCh37 (hg19) VCF-style: chr14-64457115-A-G.
Other names: c.2314-14A>G (NM_015180.6).
Identifiers: ClinVar variation 2197753 (VCV002197753.4), dbSNP rs535399786, ClinGen allele CA7219662.